The following is an entry in ClinVar:

ClinVar aggregate classification (germline): Benign/Likely benign. Review status: criteria provided, multiple submitters, no conflicts (2 of 4 stars). 3 submissions from 3 submitters: Benign (1); Likely benign (2). Last evaluated 2025-10-19.

Conditions:
Dilated cardiomyopathy 1AA (CMD1AA). Also called: Cardiomyopathy, dilated, 1AA, with or without LVNC; CARDIOMYOPATHY, DILATED, 1AA, WITH OR WITHOUT LEFT VENTRICULAR NONCOMPACTION; CARDIOMYOPATHY, FAMILIAL HYPERTROPHIC, 23, WITH OR WITHOUT LEFT VENTRICULAR NONCOMPACTION. Identifiers: Orphanet 154, MedGen C2677338, MONDO:0012808, OMIM 612158.
Primary familial hypertrophic cardiomyopathy (HCM). Identifiers: Orphanet 99739, MedGen C0949658, MeSH D024741, MONDO:0024573. Inheritance: Various modes of inheritance.
Cardiovascular phenotype. Identifiers: MedGen CN230736.

Allele frequency attached by ClinVar (database versions not stated): ExAC 0.00001; gnomAD exomes 0.00001.
gnomAD v4.1: 3 of 1,610,544 alleles (0.00019%); highest among the groups gnomAD compares: Admixed American, 0.0033%; no homozygotes.

Submissions (3):

Labcorp Genetics (formerly Invitae), Labcorp
Classification: Benign for Primary familial hypertrophic cardiomyopathy; Dilated cardiomyopathy 1AA. Last evaluated: 2025-10-19. Review status: criteria provided, single submitter. Criteria: Invitae Variant Classification Sherloc (09022015). Collection method: clinical testing. Allele origin: germline.

Molecular Diagnostic Laboratory for Inherited Cardiovascular Disease, Montreal Heart Institute
Classification: Likely benign. Last evaluated: 2025-04-08. Review status: criteria provided, single submitter. Criteria: ACMG Guidelines, 2015. Collection method: clinical testing. Allele origin: germline. Affected: no.
Comment: BP6;BP7

Ambry Genetics
Classification: Likely benign for Cardiovascular phenotype. Last evaluated: 2023-10-01. Review status: criteria provided, single submitter. Criteria: Ambry Variant Classification Scheme 2023. Collection method: clinical testing. Allele origin: germline.

NM_001103.4(ACTN2):c.375C>T (p.Gly125=)

Gene: ACTN2 (actinin alpha 2; plus strand). Cytogenetic location: 1q43.
Variant type: single nucleotide variant.
Coding change: c.375C>T on transcript NM_001103.4 (MANE Select); coding-DNA position 375, C replaced by T.
Protein change: p.Gly125=; no amino-acid change (glycine 125 retained).
Molecular consequence: synonymous variant. On other transcripts: 5 prime UTR variant (1).
Genome position (GRCh38, 1-based): chr1:236,720,118, C>T. VCF-style: chr1-236720118-C-T. GRCh37 (hg19) VCF-style: chr1-236883418-C-T.
Other names: c.375C>T, p.Gly125= (NM_001278343.2); c.-447C>T (NM_001278344.2); c.375C>T (NM_001103.2).
Identifiers: ClinVar variation 463210 (VCV000463210.13), dbSNP rs781385336, ClinGen allele CA1472792.